The following is an entry in ClinVar:

ClinVar aggregate classification (germline): Uncertain significance (1 of 4 stars; one submission).

Conditions:
Hereditary cancer-predisposing syndrome. Also called: Neoplastic Syndromes, Hereditary; Hereditary Cancer Syndrome; Hereditary neoplastic syndrome; Tumor predisposition. Identifiers: Orphanet 140162, MedGen C0027672, MeSH D009386, MONDO:0015356.

Submission:

Ambry Genetics
Classification: Uncertain significance for Hereditary cancer-predisposing syndrome. Last evaluated: 2023-04-13. Review status: criteria provided, single submitter. Criteria: Ambry Variant Classification Scheme 2023. Collection method: clinical testing. Allele origin: germline.
Comment: The p.A251T variant (also known as c.751G>A), located in coding exon 2 of the HOXB13 gene, results from a G to A substitution at nucleotide position 751. The alanine at codon 251 is replaced by threonine, an amino acid with similar properties. This amino acid position is conserved. In addition, the in silico prediction for this alteration is inconclusive. Since supporting evidence is limited at this time, the clinical significance of this alteration remains unclear.

NM_006361.6(HOXB13):c.751G>A (p.Ala251Thr)

Gene: HOXB13 (homeobox B13; minus strand). Cytogenetic location: 17q21.32.
Variant type: single nucleotide variant.
Coding change: c.751G>A on transcript NM_006361.6 (MANE Select); coding-DNA position 751, G replaced by A.
Protein change: p.Ala251Thr; replaces alanine 251 with threonine.
Molecular consequence: missense variant.
Genome position (GRCh38, 1-based): chr17:48,726,894, C>T on the plus strand (G>A on the coding strand, the complement: HOXB13 is on the minus strand). VCF-style: chr17-48726894-C-T. GRCh37 (hg19) VCF-style: chr17-46804256-C-T.
Other names: short protein forms A251T.
Identifiers: ClinVar variation 2563737 (VCV002563737.2), dbSNP rs2038216742, ClinGen allele CA400106055.